The following is an entry in ClinVar:

ClinVar aggregate classification (germline): Uncertain significance. Review status: criteria provided, multiple submitters, no conflicts (2 of 4 stars). 2 submissions from 2 submitters: Uncertain significance (2). Last evaluated 2025-08-21.

Allele frequency attached by ClinVar (database versions not stated): gnomAD exomes 0.00008; 1000 Genomes Project 30x 0.00031; 1000 Genomes Project 0.00060; TOPMed 0.00002; gnomAD 0.00003; ExAC 0.00009.
gnomAD v4.1: 111 of 1,577,312 alleles (0.007%); highest among the groups gnomAD compares: Non-Finnish European, 0.0086%; no homozygotes.

Submissions (2):

Ambry Genetics
Classification: Uncertain significance. Last evaluated: 2025-08-21. Review status: criteria provided, single submitter. Criteria: Ambry Variant Classification Scheme 2023. Collection method: clinical testing. Allele origin: germline.

Labcorp Genetics (formerly Invitae), Labcorp
Classification: Uncertain significance. Last evaluated: 2023-10-09. Review status: criteria provided, single submitter. Criteria: Invitae Variant Classification Sherloc (09022015). Collection method: clinical testing. Allele origin: germline.
Comment: This sequence change replaces alanine, which is neutral and non-polar, with valine, which is neutral and non-polar, at codon 1027 of the XPO5 protein (p.Ala1027Val). The frequency data for this variant in the population databases is considered unreliable, as metrics indicate poor data quality at this position in the gnomAD database. This variant has not been reported in the literature in individuals affected with XPO5-related conditions. An algorithm developed to predict the effect of missense changes on protein structure and function (PolyPhen-2) suggests that this variant is likely to be tolerated. In summary, the available evidence is currently insufficient to determine the role of this variant in disease. Therefore, it has been classified as a Variant of Uncertain Significance.

NM_020750.3(XPO5):c.3080C>T (p.Ala1027Val)

Genes: POLR1C (RNA polymerase I and III subunit C; plus strand), XPO5 (exportin 5; minus strand). Cytogenetic location: 6p21.1.
Variant type: single nucleotide variant.
Coding change: c.3080C>T on transcript NM_020750.3 (MANE Select); coding-DNA position 3080, C replaced by T.
Protein change: p.Ala1027Val; replaces alanine 1027 with valine.
Molecular consequence: missense variant. On other transcripts: non-coding transcript variant (1), intron variant (2).
Genome position (GRCh38, 1-based): chr6:43,525,201, G>A on the plus strand (C>T on the coding strand, the complement: XPO5 is on the minus strand). VCF-style: chr6-43525201-G-A. GRCh37 (hg19) VCF-style: chr6-43492939-G-A.
Other names: c.922+4153G>A (NM_001363658.2); c.923-4048G>A (NM_001318876.2); short protein forms A1027V.
Identifiers: ClinVar variation 2899705 (VCV002899705.4), dbSNP rs527438448, ClinGen allele CA3825876.